The following is an entry in ClinVar:

ClinVar aggregate classification (germline): Uncertain significance (1 of 4 stars; one submission).

Conditions:
Atrial fibrillation, familial, 7 (ATFB7). Identifiers: MedGen C2677106, MONDO:0012828, OMIM 612240.

Submission:

Labcorp Genetics (formerly Invitae), Labcorp
Classification: Uncertain significance for Atrial fibrillation, familial, 7. Last evaluated: 2025-08-18. Review status: criteria provided, single submitter. Criteria: Invitae Variant Classification Sherloc (09022015). Collection method: clinical testing. Allele origin: germline.
Comment: This sequence change replaces valine, which is neutral and non-polar, with leucine, which is neutral and non-polar, at codon 594 of the KCNA5 protein (p.Val594Leu). This variant is not present in population databases (gnomAD no frequency). This variant has not been reported in the literature in individuals affected with KCNA5-related conditions. An algorithm developed to predict the effect of missense changes on protein structure and function (PolyPhen-2) suggests that this variant is likely to be disruptive. In summary, the available evidence is currently insufficient to determine the role of this variant in disease. Therefore, it has been classified as a Variant of Uncertain Significance.

NM_002234.4(KCNA5):c.1780G>C (p.Val594Leu)

Gene: KCNA5 (potassium voltage-gated channel subfamily A member 5; plus strand). Cytogenetic location: 12p13.32.
Variant type: single nucleotide variant.
Coding change: c.1780G>C on transcript NM_002234.4 (MANE Select); coding-DNA position 1780, G replaced by C.
Protein change: p.Val594Leu; replaces valine 594 with leucine.
Molecular consequence: missense variant.
Genome position (GRCh38, 1-based): chr12:5,045,927, G>C. VCF-style: chr12-5045927-G-C. GRCh37 (hg19) VCF-style: chr12-5155093-G-C.
Other names: short protein forms V594L.
Identifiers: ClinVar variation 4749660 (VCV004749660.1).
Genomic context (GRCh38, chr12:5,045,927, plus strand): 5'-GACAGTGCCCGAAGGGGCAGCTGCCCCCTAGAGAAGTGTAACGTCAAGGCCAAGAGCAAC[G>C]TGGACTTGCGGAGGTCCCTTTATGCCCTCTGCCTGGACACCAGCCGGGAAACAGATTTGT-3'
Protein context (NP_002225.2, residues 584-604): EKCNVKAKSN[Val594Leu]DLRRSLYALC